The following is an entry in ClinVar:

NM_002637.4(PHKA1):c.2855C>T (p.Ser952Leu)

Gene: PHKA1 (phosphorylase kinase regulatory subunit alpha 1; minus strand). Cytogenetic location: Xq13.1.
Variant type: single nucleotide variant.
Coding change: c.2855C>T on transcript NM_002637.4 (MANE Select); coding-DNA position 2855, C replaced by T.
Protein change: p.Ser952Leu; replaces serine 952 with leucine.
Molecular consequence: missense variant.
Genome position (GRCh38, 1-based): chrX:72,603,181, G>A on the plus strand (C>T on the coding strand, the complement: PHKA1 is on the minus strand). VCF-style: chrX-72603181-G-A. GRCh37 (hg19) VCF-style: chrX-71823031-G-A.
Other names: c.2855C>T (NM_002637.3); c.2855C>T, p.Ser952Leu (NM_001122670.2, NM_001431068.1); c.2678C>T, p.Ser893Leu (NM_001172436.2); short protein forms S893L, S952L.
Identifiers: ClinVar variation 3685266 (VCV003685266.3).

ClinVar aggregate classification (germline): Uncertain significance. Review status: criteria provided, multiple submitters, no conflicts (2 of 4 stars). 2 submissions from 2 submitters: Uncertain significance (2). Last evaluated 2025-05-01.

Conditions:
Inborn genetic diseases. Identifiers: MedGen C0950123, MeSH D030342.
Glycogen storage disease IXd (GSD9D). Also called: GSD IXd; Muscle Phosphorylase Kinase Deficiency. Identifiers: Orphanet 715, MedGen C1845151, MONDO:0010362, OMIM 300559.

gnomAD v4.1: 6 of 1,206,615 alleles (0.0005%); highest among the groups gnomAD compares: Middle Eastern, 0.023%; no homozygotes.

Submissions (2):

Ambry Genetics
Classification: Uncertain significance for Inborn genetic diseases. Last evaluated: 2025-05-01. Review status: criteria provided, single submitter. Criteria: Ambry Variant Classification Scheme 2023. Collection method: clinical testing. Allele origin: germline.

Labcorp Genetics (formerly Invitae), Labcorp
Classification: Uncertain significance for Glycogen storage disease IXd. Last evaluated: 2024-12-12. Review status: criteria provided, single submitter. Criteria: Invitae Variant Classification Sherloc (09022015). Collection method: clinical testing. Allele origin: germline.
Comment: This sequence change replaces serine, which is neutral and polar, with leucine, which is neutral and non-polar, at codon 952 of the PHKA1 protein (p.Ser952Leu). The frequency data for this variant in the population databases is considered unreliable, as metrics indicate poor data quality at this position in the gnomAD database. This variant has not been reported in the literature in individuals affected with PHKA1-related conditions. Invitae Evidence Modeling of protein sequence and biophysical properties (such as structural, functional, and spatial information, amino acid conservation, physicochemical variation, residue mobility, and thermodynamic stability) indicates that this missense variant is not expected to disrupt PHKA1 protein function with a negative predictive value of 80%. In summary, the available evidence is currently insufficient to determine the role of this variant in disease. Therefore, it has been classified as a Variant of Uncertain Significance.